The following is an entry in ClinVar:

ClinVar aggregate classification (germline): Pathogenic (1 of 4 stars; one submission).

Conditions:
Osteogenesis imperfecta type I (OI1). Also called: OI, TYPE I; OSTEOGENESIS IMPERFECTA TARDA; OSTEOGENESIS IMPERFECTA WITH BLUE SCLERAE; Osteogenesis imperfecta type 1; Lobstein's Disease; Lobstein disease. Identifiers: Orphanet 216796, Orphanet 666, MedGen C0023931, MONDO:0008146, OMIM 166200. Disease mechanism: loss of function.

Submission:

Laboratory of Genetic Skeletal Anomaly, Seoul National University Children's Hospital
Classification: Pathogenic for Osteogenesis imperfecta type I. Last evaluated: 2025-03-01. Review status: criteria provided, single submitter. Criteria: ACMG Guidelines, 2015. Collection method: research. Allele origin: germline. Affected: yes.
Comment: This variant is a novel variant not previously reported in the literature or population databases. It was classified based on available in silico predictions and absence from gnomAD.

NM_000088.4(COL1A1):c.324del (p.Gly109fs)

Gene: COL1A1 (collagen type I alpha 1 chain; minus strand). Cytogenetic location: 17q21.33.
Variant type: Deletion.
Coding change: c.324del on transcript NM_000088.4 (MANE Select); coding-DNA position 324, one base deleted (C; older notation c.324delC).
Protein change: p.Gly109fs; shifts the reading frame from glycine 109.
Molecular consequence: frameshift variant.
Genome position (GRCh38, 1-based): chr17:50,199,565, G deleted on the plus strand (C on the coding strand, the reverse complement: COL1A1 is on the minus strand); the first of 2 consecutive G bases (chr17:50,199,565-50,199,566); deleting either gives the same sequence. VCF-style (leftmost placement, unchanged base first): chr17-50199564-CG-C. GRCh37 (hg19) VCF-style: chr17-48276925-CG-C.
Other names: c.324delC (NM_000088.4); short protein forms G109fs.
Identifiers: ClinVar variation 4280688 (VCV004280688.1).
Genomic context (GRCh38, chr17:50,199,564, plus strand): 5'-CTGTGAGGAGTCACGGGCCGCGCAGGGGCAAAATTCGAGGGCAGGAGATTACCTCGACGC[CG>C]GTGGTTTCTTGGTCGGTGGGTGACTCTAGGGGACGAAGAGACGCGCGTTAGAGCCAAGGT-3'